The following is an entry in ClinVar:

ClinVar aggregate classification (germline): Uncertain significance (1 of 4 stars; one submission).

Submission:

Labcorp Genetics (formerly Invitae), Labcorp
Classification: Uncertain significance. Last evaluated: 2021-08-14. Review status: criteria provided, single submitter. Criteria: Invitae Variant Classification Sherloc (09022015). Collection method: clinical testing. Allele origin: germline.
Comment: This sequence change replaces glutamine with proline at codon 495 of the SI protein (p.Gln495Pro). The glutamine residue is weakly conserved and there is a moderate physicochemical difference between glutamine and proline. This variant is not present in population databases (ExAC no frequency). This variant has not been reported in the literature in individuals affected with SI-related conditions. Advanced modeling of protein sequence and biophysical properties (such as structural, functional, and spatial information, amino acid conservation, physicochemical variation, residue mobility, and thermodynamic stability) performed at Invitae indicates that this missense variant is not expected to disrupt SI protein function. In summary, the available evidence is currently insufficient to determine the role of this variant in disease. Therefore, it has been classified as a Variant of Uncertain Significance.

NM_001041.4(SI):c.1484A>C (p.Gln495Pro)

Gene: SI (sucrase-isomaltase; minus strand). Cytogenetic location: 3q26.1.
Variant type: single nucleotide variant.
Coding change: c.1484A>C on transcript NM_001041.4 (MANE Select); coding-DNA position 1484, A replaced by C.
Protein change: p.Gln495Pro; replaces glutamine 495 with proline.
Molecular consequence: missense variant.
Genome position (GRCh38, 1-based): chr3:165,055,222, T>G on the plus strand (A>C on the coding strand, the complement: SI is on the minus strand). VCF-style: chr3-165055222-T-G. GRCh37 (hg19) VCF-style: chr3-164773010-T-G.
Other names: short protein forms Q495P.
Identifiers: ClinVar variation 1492957 (VCV001492957.5), dbSNP rs2108242199, ClinGen allele CA355027764.
Genomic context (GRCh38, chr3:165,055,222, plus strand): 5'-ACCAAAACCATTGGTTTAAAATAGCTACTTACAATCCAAAGTCCATCATATTGCACTTCT[T>G]GATGGAAAATACTGCATTCATTTGCCCACCAATCAATGCAGTTTGGGTTAGTGAAATCAG-3'
Protein context (NP_001032.2, residues 485-505): WWANECSIFH[Gln495Pro]EVQYDGLWID